The following is an entry in ClinVar:

NM_172107.4(KCNQ2):c.2188A>G (p.Thr730Ala)

Gene: KCNQ2 (potassium voltage-gated channel subfamily Q member 2; minus strand). Cytogenetic location: 20q13.33.
Variant type: single nucleotide variant.
Coding change: c.2188A>G on transcript NM_172107.4 (MANE Select); coding-DNA position 2188, A replaced by G.
Protein change: p.Thr730Ala; replaces threonine 730 with alanine.
Molecular consequence: missense variant.
Genome position (GRCh38, 1-based): chr20:63,407,075, T>C on the plus strand (A>G on the coding strand, the complement: KCNQ2 is on the minus strand). VCF-style: chr20-63407075-T-C. GRCh37 (hg19) VCF-style: chr20-62038428-T-C.
Other names: c.2242A>G, p.Thr748Ala (NM_001382235.1); c.2104A>G, p.Thr702Ala (NM_004518.6); c.2134A>G, p.Thr712Ala (NM_172106.3); c.2095A>G, p.Thr699Ala (NM_172108.5); short protein forms T699A, T702A, T712A, T730A, T748A.
Identifiers: ClinVar variation 1010969 (VCV001010969.8), dbSNP rs1441250745, ClinGen allele CA409638636.

ClinVar aggregate classification (germline): Uncertain significance (1 of 4 stars; one submission).

Conditions:
Early-infantile DEE. Also called: Ohtahara syndrome; Early infantile epileptic encephalopathy with suppression bursts; Early infantile epileptic encephalopathy. Identifiers: Orphanet 1934, MedGen C0393706, MONDO:0800491.

Allele frequency attached by ClinVar (database versions not stated): gnomAD exomes below 0.00001; TOPMed below 0.00001; gnomAD 0.00001.
gnomAD v4.1: 3 of 1,526,148 alleles (0.0002%); highest among the groups gnomAD compares: Non-Finnish European, 0.00026%; no homozygotes.

Submission:

Labcorp Genetics (formerly Invitae), Labcorp
Classification: Uncertain significance for Early-infantile DEE. Last evaluated: 2023-12-30. Review status: criteria provided, single submitter. Criteria: Invitae Variant Classification Sherloc (09022015). Collection method: clinical testing. Allele origin: germline.
Comment: This sequence change replaces threonine, which is neutral and polar, with alanine, which is neutral and non-polar, at codon 730 of the KCNQ2 protein (p.Thr730Ala). This variant is not present in population databases (gnomAD no frequency). This variant has not been reported in the literature in individuals affected with KCNQ2-related conditions. ClinVar contains an entry for this variant (Variation ID: 1010969). Algorithms developed to predict the effect of missense changes on protein structure and function output the following: SIFT: "Not Available"; PolyPhen-2: "Benign"; Align-GVGD: "Not Available". The alanine amino acid residue is found in multiple mammalian species, which suggests that this missense change does not adversely affect protein function. Experimental studies have shown that this missense change affects KCNQ2 function (PMID: 30459225). In summary, the available evidence is currently insufficient to determine the role of this variant in disease. Therefore, it has been classified as a Variant of Uncertain Significance.

Literature cited by the submitters: PubMed 30459225.